The following is an entry in ClinVar:

NM_016011.5(MECR):c.247_250del (p.Asn83fs)

Gene: MECR (mitochondrial trans-2-enoyl-CoA reductase; minus strand). Cytogenetic location: 1p35.3.
Variant type: Deletion.
Coding change: c.247_250del on transcript NM_016011.5 (MANE Select); coding-DNA positions 247 to 250, 4 bases deleted (AATC; older notation c.247_250delAATC).
Protein change: p.Asn83fs; shifts the reading frame from asparagine 83.
Molecular consequence: frameshift variant. On other transcripts: non-coding transcript variant (4).
Genome position (GRCh38, 1-based): chr1:29,216,612-29,216,615, GATT deleted on the plus strand (AATC on the coding strand, the reverse complement: MECR is on the minus strand); deleting any 4 consecutive bases within chr1:29,216,612-29,216,618 gives the same sequence; the c. name uses the placement nearest the transcript's 3' end. VCF-style (leftmost placement, unchanged base first): chr1-29216611-GGATT-G. GRCh37 (hg19) VCF-style: chr1-29543123-GGATT-G.
Other names: c.19_22del, p.Asn7fs (NM_001024732.4, NM_001349711.2, NM_001349712.2 and 2 more transcripts); c.352_355del, p.Asn118fs (NM_001349715.2); c.331_334del, p.Asn111fs (NM_001349716.2); c.97_100del, p.Asn33fs (NM_001349717.2); short protein forms N111fs, N33fs, N83fs, N118fs, N7fs.
Identifiers: ClinVar variation 374883 (VCV000374883.7), dbSNP rs1057519287, ClinGen allele CA16043955.

ClinVar aggregate classification (germline): Pathogenic. Review status: criteria provided, multiple submitters, no conflicts (2 of 4 stars). 4 submissions from 4 submitters: Pathogenic (2). 2 of the submissions do not count toward it. Last evaluated 2023-11-30.

Conditions:
Childhood Onset Dystonias. Identifiers: MedGen C0752202.
Optic atrophy. Identifiers: MedGen C0029124, MONDO:0003608, HP:0000648.
Dystonia, childhood-onset, with optic atrophy and basal ganglia abnormalities (DYTOABG). Also called: DYSTONIA 29, CHILDHOOD-ONSET; MECR-Related Neurologic Disorder. Identifiers: Orphanet 508093, MedGen C4310634, MONDO:0015003, OMIM 617282.

Submissions (4):

Labcorp Genetics (formerly Invitae), Labcorp
Classification: Pathogenic. Last evaluated: 2023-11-30. Review status: criteria provided, single submitter. Criteria: Invitae Variant Classification Sherloc (09022015). Collection method: clinical testing. Allele origin: germline.
Comment: This sequence change creates a premature translational stop signal (p.Asn83Hisfs*4) in the MECR gene. It is expected to result in an absent or disrupted protein product. Loss-of-function variants in MECR are known to be pathogenic (PMID: 27817865). This variant is not present in population databases (gnomAD no frequency). This premature translational stop signal has been observed in individual(s) with autosomal recessive dystonia (PMID: 27817865). ClinVar contains an entry for this variant (Variation ID: 374883). For these reasons, this variant has been classified as Pathogenic.

Kids Research, The Children's Hospital at Westmead
Classification: Pathogenic for Dystonia, childhood-onset, with optic atrophy and basal ganglia abnormalities. Review status: criteria provided, single submitter. Criteria: ACMG Guidelines, 2015. Collection method: research. Allele origin: inherited. Inheritance: Autosomal recessive inheritance. Affected: yes.

OMIM
Classification: Pathogenic for DYSTONIA, CHILDHOOD-ONSET, WITH OPTIC ATROPHY AND BASAL GANGLIA ABNORMALITIES. Last evaluated: 2024-01-08. Review status: no assertion criteria provided. Collection method: literature only. Allele origin: germline. Not counted in ClinVar's aggregate classification.

University of Washington Center for Mendelian Genomics, University of Washington
Classification: Likely pathogenic for Childhood Onset Dystonias; Optic atrophy. Last evaluated: 2016-12-01. Review status: no assertion criteria provided. Collection method: research. Allele origin: unknown. Affected: yes. Observed: 2 variant alleles. Not counted in ClinVar's aggregate classification.

Literature cited by the submitters: PubMed 27817865 (cited by 3 submitters); PubMed 32313153 (cited by Kids Research, The Children's Hospital at Westmead).